The following is an entry in ClinVar:

ClinVar aggregate classification (germline): Uncertain significance (1 of 4 stars; one submission).

Conditions:
Malignant hyperthermia, susceptibility to, 5 (MHS5). Also called: CACNA1S-Related Malignant Hyperthermia Susceptibility. Identifiers: Orphanet 423, MedGen C1866077, MONDO:0011163, OMIM 601887.
Hypokalemic periodic paralysis, type 1. Also called: Hypokalemic Periodic Paralysis Type 1 (AD); HypoPP. Identifiers: Orphanet 681, MedGen C3714580, MONDO:0042979, OMIM 170400.

Submission:

Labcorp Genetics (formerly Invitae), Labcorp
Classification: Uncertain significance for Hypokalemic periodic paralysis, type 1; Malignant hyperthermia, susceptibility to, 5. Last evaluated: 2023-01-18. Review status: criteria provided, single submitter. Criteria: Invitae Variant Classification Sherloc (09022015). Collection method: clinical testing. Allele origin: germline.
Comment: In summary, the available evidence is currently insufficient to determine the role of this variant in disease. Therefore, it has been classified as a Variant of Uncertain Significance. Advanced modeling of protein sequence and biophysical properties (such as structural, functional, and spatial information, amino acid conservation, physicochemical variation, residue mobility, and thermodynamic stability) performed at Invitae indicates that this missense variant is not expected to disrupt CACNA1S protein function. This variant has not been reported in the literature in individuals affected with CACNA1S-related conditions. This variant is not present in population databases (gnomAD no frequency). This sequence change replaces valine, which is neutral and non-polar, with isoleucine, which is neutral and non-polar, at codon 20 of the CACNA1S protein (p.Val20Ile).

NM_000069.3(CACNA1S):c.58G>A (p.Val20Ile)

Gene: CACNA1S (calcium voltage-gated channel subunit alpha1 S; minus strand). Cytogenetic location: 1q32.1.
Variant type: single nucleotide variant.
Coding change: c.58G>A on transcript NM_000069.3 (MANE Select); coding-DNA position 58, G replaced by A.
Protein change: p.Val20Ile; replaces valine 20 with isoleucine.
Molecular consequence: missense variant.
Genome position (GRCh38, 1-based): chr1:201,112,282, C>T on the plus strand (G>A on the coding strand, the complement: CACNA1S is on the minus strand). VCF-style: chr1-201112282-C-T. GRCh37 (hg19) VCF-style: chr1-201081410-C-T.
Other names: short protein forms V20I.
Identifiers: ClinVar variation 2926207 (VCV002926207.3), dbSNP rs2464701778, ClinGen allele CA344158395.